The following is an entry in ClinVar:

ClinVar aggregate classification (germline): Uncertain significance (1 of 4 stars; one submission).

Conditions:
Retinoblastoma (RB1). Also called: RETINOBLASTOMA, SOMATIC. Identifiers: Orphanet 790, MedGen C0035335, MeSH D012175, MONDO:0008380, OMIM 180200, HP:0009919. Disease mechanism: loss of function. Inheritance: Both sporadic and heritable forms are tested..

Submission:

Labcorp Genetics (formerly Invitae), Labcorp
Classification: Uncertain significance for Retinoblastoma. Last evaluated: 2023-11-01. Review status: criteria provided, single submitter. Criteria: Invitae Variant Classification Sherloc (09022015). Collection method: clinical testing. Allele origin: germline.
Comment: This sequence change falls in intron 7 of the RB1 gene. It does not directly change the encoded amino acid sequence of the RB1 protein. It affects a nucleotide within the consensus splice site. This variant is not present in population databases (gnomAD no frequency). This variant has not been reported in the literature in individuals affected with RB1-related conditions. Variants that disrupt the consensus splice site are a relatively common cause of aberrant splicing (PMID: 17576681, 9536098). Algorithms developed to predict the effect of sequence changes on RNA splicing suggest that this variant is not likely to affect RNA splicing. In summary, the available evidence is currently insufficient to determine the role of this variant in disease. Therefore, it has been classified as a Variant of Uncertain Significance.

Literature cited by the submitters: PubMed 17576681; PubMed 9536098.

NM_000321.3(RB1):c.718+3A>G

Gene: RB1 (RB transcriptional corepressor 1; plus strand). Cytogenetic location: 13q14.2.
Variant type: single nucleotide variant.
Coding change: c.718+3A>G on transcript NM_000321.3 (MANE Select); 3 bases into the intron after coding-DNA position 718, A replaced by G.
Molecular consequence: intron variant.
Genome position (GRCh38, 1-based): chr13:48,360,130, A>G. VCF-style: chr13-48360130-A-G. GRCh37 (hg19) VCF-style: chr13-48934266-A-G.
Other names: c.718+3A>G (NM_001407165.1, NM_001407166.1).
Identifiers: ClinVar variation 2773109 (VCV002773109.3), dbSNP rs2542178828, ClinGen allele CA2697551846.